The following is an entry in ClinVar:

NM_001009944.3(PKD1):c.11677C>T (p.Leu3893Phe)

Genes: PKD1 (polycystin 1, transient receptor potential channel interacting; minus strand), PKD1-AS1 (PKD1 antisense RNA 1; plus strand). Cytogenetic location: 16p13.3.
Variant type: single nucleotide variant.
Coding change: c.11677C>T on transcript NM_001009944.3 (MANE Select); coding-DNA position 11677, C replaced by T.
Protein change: p.Leu3893Phe; replaces leucine 3893 with phenylalanine.
Molecular consequence: missense variant. On other transcripts: non-coding transcript variant (1).
Genome position (GRCh38, 1-based): chr16:2,091,458, G>A on the plus strand (C>T on the coding strand, the complement: PKD1 is on the minus strand). VCF-style: chr16-2091458-G-A. GRCh37 (hg19) VCF-style: chr16-2141459-G-A.
Other names: c.11674C>T, p.Leu3892Phe (NM_000296.4); short protein forms L3892F, L3893F.
Identifiers: ClinVar variation 3032343 (VCV003032343.2), dbSNP rs973293202, ClinGen allele CA394331696.

ClinVar aggregate classification (germline): Uncertain significance (0 of 4 stars; one submission).

Conditions:
PKD1-related disorder. Also called: PKD1-related condition.

Allele frequency attached by ClinVar (database versions not stated): gnomAD exomes 0.00002.
gnomAD v4.1: 4 of 1,259,342 alleles (0.00032%); highest among the groups gnomAD compares: Admixed American, 0.0091%; no homozygotes.

Submission:

PreventionGenetics, part of Exact Sciences
Classification: Uncertain significance for PKD1-related condition. Last evaluated: 2024-01-10. Review status: no assertion criteria provided. Collection method: clinical testing. Allele origin: germline.
Comment: The PKD1 c.11677C>T variant is predicted to result in the amino acid substitution p.Leu3893Phe. To our knowledge, this variant has not been reported in the literature or in a large population database, indicating this variant is rare. At this time, the clinical significance of this variant is uncertain due to the absence of conclusive functional and genetic evidence.